The following is an entry in ClinVar:

NM_001370259.2(MEN1):c.783+1G>T

Gene: MEN1 (menin 1; minus strand). Cytogenetic location: 11q13.1.
Variant type: single nucleotide variant.
Coding change: c.783+1G>T on transcript NM_001370259.2 (MANE Select); the canonical splice donor site of the intron after coding-DNA position 783, G replaced by T.
Molecular consequence: splice donor variant.
Genome position (GRCh38, 1-based): chr11:64,807,551, C>A on the plus strand (G>T on the coding strand, the complement: MEN1 is on the minus strand). VCF-style: chr11-64807551-C-A. GRCh37 (hg19) VCF-style: chr11-64575023-C-A.
Other names: c.798+1G>T (NM_130804.3, NM_130803.3, NM_000244.4 and 5 more transcripts); c.678+1G>T (NM_001407148.1, NM_001407149.1, NM_001407151.1 and 2 more transcripts); c.783+1G>T (NM_130799.3, NM_001407144.1, NM_001370260.2 and 7 more transcripts).
Identifiers: ClinVar variation 1760805 (VCV001760805.2), dbSNP rs794728652, ClinGen allele CA009621.

ClinVar aggregate classification (germline): Pathogenic (1 of 4 stars; one submission).

Conditions:
Hereditary cancer-predisposing syndrome. Also called: Neoplastic Syndromes, Hereditary; Tumor predisposition; Hereditary Cancer Syndrome; Hereditary neoplastic syndrome. Identifiers: Orphanet 140162, MedGen C0027672, MeSH D009386, MONDO:0015356.

Submission:

Ambry Genetics
Classification: Pathogenic for Hereditary cancer-predisposing syndrome. Last evaluated: 2021-12-22. Review status: criteria provided, single submitter. Criteria: Ambry Variant Classification Scheme 2023. Collection method: clinical testing. Allele origin: germline.
Comment: The c.783+1G>T intronic pathogenic mutation results from a G to T substitution one nucleotide after coding exon 3 of the MEN1 gene. This alteration has been observed in at least one individual with a personal and/or family history that is consistent with MEN1-related disease (Giraud S et al. Am J Hum Genet, 1998 Aug;63:455-67, Ambry internal data). This alteration is also referred to as c.893+1G>T in the literature. This nucleotide position is highly conserved in available vertebrate species. In silico splice site analysis predicts that this alteration will weaken the native splice donor site. RNA studies have detected abnormal splicing associated with this alteration (Giraud S et al. Am J Hum Genet, 1998 Aug;63:455-67, Ambry internal data). Based on the supporting evidence, this alteration is interpreted as a disease-causing mutation.

Literature cited by the submitters: PubMed 9683585.